The following is an entry in ClinVar:

ClinVar aggregate classification (germline): Pathogenic/Likely pathogenic. Review status: criteria provided, multiple submitters, no conflicts (2 of 4 stars). 3 submissions from 3 submitters: Pathogenic (2); Likely pathogenic (1). Last evaluated 2024-06-06.

Conditions:
CAPN3-related disorder. Also called: CAPN3-related disorders; CAPN3-related condition. Identifiers: MedGen CN239245.

Submissions (3):

Blueprint Genetics
Classification: Likely pathogenic for CAPN3-related disorders. Last evaluated: 2024-06-06. Review status: criteria provided, single submitter. Criteria: ACMG Guidelines, 2015. Collection method: clinical testing. Allele origin: germline. Affected: yes. Observed: 1 variant allele.

Athena Diagnostics
Classification: Pathogenic. Last evaluated: 2020-04-14. Review status: criteria provided, single submitter. Criteria: Athena Diagnostics Criteria. Collection method: clinical testing. Allele origin: unknown.
Comment: The variant results in a shift of the reading frame, and is therefore predicted to result in the loss of a functional protein. Found in at least one patient with expected phenotype for this gene, and not found in general population data.

Eurofins Ntd Llc (ga)
Classification: Pathogenic. Last evaluated: 2016-03-17. Review status: criteria provided, single submitter. Criteria: EGL Classification Definitions 2015. Collection method: clinical testing. Allele origin: germline. Observed: 1 variant allele, 1 heterozygote.

NM_000070.3(CAPN3):c.259_262del (p.Leu87fs)

Gene: CAPN3 (calpain 3; plus strand). Cytogenetic location: 15q15.1.
Variant type: Microsatellite.
Coding change: c.259_262del on transcript NM_000070.3 (MANE Select); coding-DNA positions 259 to 262, 4 bases deleted (CTCT; older notation c.259_262delCTCT).
Protein change: p.Leu87fs; shifts the reading frame from leucine 87.
Molecular consequence: frameshift variant.
Genome position (GRCh38, 1-based): chr15:42,360,064-42,360,067, CTCT deleted; deleting any 4 consecutive bases within chr15:42,360,060-42,360,067 gives the same sequence; the c. name uses the placement nearest the transcript's 3' end. VCF-style (leftmost placement, unchanged base first): chr15-42360059-CCTCT-C. GRCh37 (hg19) VCF-style: chr15-42652257-CCTCT-C.
Other names: c.259_262del, p.Leu87fs (NM_024344.2, NM_173087.2); short protein forms L87fs.
Identifiers: ClinVar variation 286906 (VCV000286906.7), dbSNP rs763649825, ClinGen allele CA7510878.